The following is an entry in ClinVar:

ClinVar aggregate classification (germline): Uncertain significance (1 of 4 stars; one submission).

Submission:

CeGaT Center for Human Genetics Tuebingen
Classification: Uncertain significance. Last evaluated: 2022-12-01. Review status: criteria provided, single submitter. Criteria: CeGaT Center For Human Genetics Tuebingen Variant Classification Criteria Version 2. Collection method: clinical testing. Allele origin: germline. Affected: yes. Observed: 1 variant allele.
Comment: CREBBP: PM2

NM_004380.3(CREBBP):c.2631G>C (p.Met877Ile)

Gene: CREBBP (CREB binding lysine acetyltransferase; minus strand). Cytogenetic location: 16p13.3.
Variant type: single nucleotide variant.
Coding change: c.2631G>C on transcript NM_004380.3 (MANE Select); coding-DNA position 2631, G replaced by C.
Protein change: p.Met877Ile; replaces methionine 877 with isoleucine.
Molecular consequence: missense variant.
Genome position (GRCh38, 1-based): chr16:3,770,819, C>G on the plus strand (G>C on the coding strand, the complement: CREBBP is on the minus strand). VCF-style: chr16-3770819-C-G. GRCh37 (hg19) VCF-style: chr16-3820820-C-G.
Other names: c.2517G>C, p.Met839Ile (NM_001079846.1); short protein forms M839I, M877I.
Identifiers: ClinVar variation 1879328 (VCV001879328.29), dbSNP rs2141202531, ClinGen allele CA394551393.
Genomic context (GRCh38, chr16:3,770,819, plus strand): 5'-CTGCCCGGAAGACGACACAGGAGTTGATGGCTGAGTGGGAGCTGCTGGCTGGGGAGGAGT[C>G]ATCCCAGGTGGTGTCGTGTGCTGGAGAGATGGCATGCCAGCAGCCGTGGAAGCAGGAGGC-3'
Protein context (NP_004371.2, residues 867-887): PSLQHTTPPG[Met877Ile]TPPQPAAPTQ